The following is an entry in ClinVar:

NM_001961.4(EEF2):c.2113C>T (p.His705Tyr)

Genes: EEF2 (eukaryotic translation elongation factor 2; minus strand), LOC130063169 (ATAC-STARR-seq lymphoblastoid active region 13746; plus strand). Cytogenetic location: 19p13.3.
Variant type: single nucleotide variant.
Coding change: c.2113C>T on transcript NM_001961.4 (MANE Select); coding-DNA position 2113, C replaced by T.
Protein change: p.His705Tyr; replaces histidine 705 with tyrosine.
Molecular consequence: missense variant.
Genome position (GRCh38, 1-based): chr19:3,977,565, G>A on the plus strand (C>T on the coding strand, the complement: EEF2 is on the minus strand). VCF-style: chr19-3977565-G-A. GRCh37 (hg19) VCF-style: chr19-3977563-G-A.
Other names: short protein forms H705Y.
Identifiers: ClinVar variation 2026961 (VCV002026961.5), dbSNP rs200627243, ClinGen allele CA304441876.

ClinVar aggregate classification (germline): Uncertain significance. Review status: criteria provided, multiple submitters, no conflicts (2 of 4 stars). 2 submissions from 2 submitters: Uncertain significance (2). Last evaluated 2022-10-05.

Allele frequency attached by ClinVar (database versions not stated): gnomAD exomes 0.00001.
gnomAD v4.1: 11 of 1,570,692 alleles (0.0007%); highest among the groups gnomAD compares: East Asian, 0.0022%; no homozygotes.

Submissions (2):

Labcorp Genetics (formerly Invitae), Labcorp
Classification: Uncertain significance. Last evaluated: 2022-10-05. Review status: criteria provided, single submitter. Criteria: Invitae Variant Classification Sherloc (09022015). Collection method: clinical testing. Allele origin: germline.
Comment: In summary, the available evidence is currently insufficient to determine the role of this variant in disease. Therefore, it has been classified as a Variant of Uncertain Significance. This sequence change replaces histidine, which is basic and polar, with tyrosine, which is neutral and polar, at codon 705 of the EEF2 protein (p.His705Tyr). This variant is present in population databases (rs200627243, gnomAD 0.007%). This variant has not been reported in the literature in individuals affected with EEF2-related conditions. Advanced modeling of protein sequence and biophysical properties (such as structural, functional, and spatial information, amino acid conservation, physicochemical variation, residue mobility, and thermodynamic stability) performed at Invitae indicates that this missense variant is not expected to disrupt EEF2 protein function.

Ambry Genetics
Classification: Uncertain significance. Last evaluated: 2022-04-12. Review status: criteria provided, single submitter. Criteria: Ambry Variant Classification Scheme 2023. Collection method: clinical testing. Allele origin: germline.